The following is an entry in ClinVar:

NM_000478.6(ALPL):c.551G>A (p.Arg184Gln)

Gene: ALPL (alkaline phosphatase, biomineralization associated; plus strand). Cytogenetic location: 1p36.12.
Variant type: single nucleotide variant.
Coding change: c.551G>A on transcript NM_000478.6 (MANE Select); coding-DNA position 551, G replaced by A.
Protein change: p.Arg184Gln; replaces arginine 184 with glutamine.
Molecular consequence: missense variant.
Genome position (GRCh38, 1-based): chr1:21,564,119, G>A. VCF-style: chr1-21564119-G-A. GRCh37 (hg19) VCF-style: chr1-21890612-G-A.
Other names: c.386G>A, p.Arg129Gln (NM_001127501.4); c.320G>A, p.Arg107Gln (NM_001177520.3); c.551G>A, p.Arg184Gln (NM_001369803.2, NM_001369804.2, NM_001369805.2); c.551G>A (NM_000478.5); short protein forms R107Q, R184Q, R129Q.
Identifiers: ClinVar variation 1439050 (VCV001439050.11), dbSNP rs1558549798, ClinGen allele CA338877996.

ClinVar aggregate classification (germline): Pathogenic. Review status: criteria provided, multiple submitters, no conflicts (2 of 4 stars). 5 submissions from 5 submitters: Pathogenic (5). Last evaluated 2025-12-08.

Conditions:
Hypophosphatasia. Also called: Phosphoethanol-aminuria. Identifiers: Orphanet 436, MedGen C0020630, MeSH D007014, MONDO:0018570.
Adult hypophosphatasia. Identifiers: Orphanet 247676, Orphanet 436, MedGen C0268413, MONDO:1010154, OMIM 146300, MONDO:0007798.
Childhood hypophosphatasia. Identifiers: Orphanet 247667, Orphanet 436, MedGen C0220743, MONDO:1010168, OMIM 241510, MONDO:0009428.
Infantile hypophosphatasia. Identifiers: Orphanet 247651, Orphanet 436, MedGen C0268412, MONDO:1010169, OMIM 241500, MONDO:0009427.

Allele frequency attached by ClinVar (database versions not stated): gnomAD exomes below 0.00001.
gnomAD v4.1: 1 of 1,614,072 alleles (0.000062%); highest among the groups gnomAD compares: Non-Finnish European, 0.000085%; no homozygotes.

Submissions (5):

Labcorp Genetics (formerly Invitae), Labcorp
Classification: Pathogenic. Last evaluated: 2025-12-08. Review status: criteria provided, single submitter. Criteria: Invitae Variant Classification Sherloc (09022015). Collection method: clinical testing. Allele origin: germline.
Comment: This sequence change replaces arginine, which is basic and polar, with glutamine, which is neutral and polar, at codon 184 of the ALPL protein (p.Arg184Gln). This variant is not present in population databases (gnomAD no frequency). This missense change has been observed in individual(s) with hypophosphatasia (PMID: 30555565, 32160374). ClinVar contains an entry for this variant (Variation ID: 1439050). Invitae Evidence Modeling of protein sequence and biophysical properties (such as structural, functional, and spatial information, amino acid conservation, physicochemical variation, residue mobility, and thermodynamic stability) indicates that this missense variant is expected to disrupt ALPL protein function with a positive predictive value of 95%. Experimental studies have shown that this missense change affects ALPL function (PMID: 32160374). This variant disrupts the p.Arg184 amino acid residue in ALPL. Other variant(s) that disrupt this residue have been determined to be pathogenic (PMID: 9781036, 19500388). This suggests that this residue is clinically significant, and that variants that disrupt this residue are likely to be disease-causing. For these reasons, this variant has been classified as Pathogenic.

Natera, Inc.
Classification: Pathogenic for Hypophosphatasia. Last evaluated: 2025-12-05. Review status: criteria provided, single submitter. Criteria: Natera Variant Classification Schema (03/2026). Collection method: clinical testing. Allele origin: germline.
Comment: The c.551G>A variant in ALPL is a missense variant predicted to cause substitution of arginine to glutamine at amino acid 184. This variant is rare in the general population with a frequency below the threshold expected for the associated phenotype(s). This variant has been observed in affected individual(s) with monoallelic occurrence (heterozygous/hemizygous) (PMID: 33814268, 32351759, 29236161). Functional studies show that this variant may disrupt protein function (PMID: 32160374). A different variant at the same position has been determined to be Pathogenic or Likely Pathogenic. Computational prediction algorithms indicate this variant is likely to affect gene or protein function. Given the available evidence, this variant is classified as Pathogenic.

Genomenon, Inc
Classification: Pathogenic for Hypophosphatasia. Last evaluated: 2025-08-29. Review status: criteria provided, single submitter. Criteria: Genomenon Sequence Variant Interpretation Standards. Collection method: curation. Allele origin: germline. Affected: yes.
Comment: ALPL c.551G>A is a missense variant that changes the amino acid at residue 184 from Arginine to Glutamine. This variant has been observed in at least one proband affected with hypophosphatasia (PMID:29236161;30555565;32973344;32088736;36097602;33814268). At least one functional study has demonstrated a substantial alteration in protein function relative to the wild-type (PMID:32160374). It is absent or not present at a significant frequency in gnomAD. In silico models agree that this variant is possibly or probably damaging. In conclusion, we classify ALPL p.Arg184Gln (c.551G>A) as a pathogenic variant.

Fulgent Genetics
Classification: Pathogenic for Adult hypophosphatasia; Infantile hypophosphatasia; Childhood hypophosphatasia. Last evaluated: 2024-05-09. Review status: criteria provided, single submitter. Criteria: ACMG Guidelines, 2015. Collection method: clinical testing. Allele origin: germline.

Clinical Biomedical Laboratory, Shriners Hospital For Children - Canada
Classification: Pathogenic for Adult hypophosphatasia. Review status: criteria provided, single submitter. Criteria: ACMG Guidelines, 2015. Collection method: clinical testing. Allele origin: germline. Affected: yes.
Comment: This variant is predicted to substitute an arginine residue by a glutamine residue in ALPL. This variant is absent in the Genome Aggregation Database (gnomAD v2.1.1), indicating it is very rare. Computational tools (REVEL: 0.97) suggest that the amino acid change is deleterious to protein function. The variant has been observed in several published studies as a cause of dominant adult onset hypophosphatasia (e.g., PMID 32160374). Based on the ACMG variant interpretation guidelines (criteria: PS3, PM2, PM5, PP2, PP3, PP4), the available evidence supports classification of this variant as pathogenic.

Literature cited by the submitters: PubMed 30555565 (cited by Labcorp Genetics (formerly Invitae), Labcorp and Genomenon, Inc); PubMed 32160374 (cited by 3 submitters); PubMed 9781036 (cited by Labcorp Genetics (formerly Invitae), Labcorp); PubMed 19500388 (cited by Labcorp Genetics (formerly Invitae), Labcorp); PubMed 33814268 (cited by Natera, Inc. and Genomenon, Inc); PubMed 32351759 (cited by Natera, Inc.); PubMed 29236161 (cited by Natera, Inc. and Genomenon, Inc); PubMed 32973344 (cited by Genomenon, Inc); PubMed 32088736 (cited by Genomenon, Inc); PubMed 36097602 (cited by Genomenon, Inc).